The following is an entry in ClinVar:

NM_017570.5(OPLAH):c.3033T>A (p.Phe1011Leu)

Gene: OPLAH (5-oxoprolinase, ATP-hydrolysing; minus strand). Cytogenetic location: 8q24.3.
Variant type: single nucleotide variant.
Coding change: c.3033T>A on transcript NM_017570.5 (MANE Select); coding-DNA position 3033, T replaced by A.
Protein change: p.Phe1011Leu; replaces phenylalanine 1011 with leucine.
Molecular consequence: missense variant.
Genome position (GRCh38, 1-based): chr8:144,052,886, A>T on the plus strand (T>A on the coding strand, the complement: OPLAH is on the minus strand). VCF-style: chr8-144052886-A-T. GRCh37 (hg19) VCF-style: chr8-145107789-A-T.
Other names: short protein forms F1011L.
Identifiers: ClinVar variation 2206850 (VCV002206850.4), dbSNP rs782390280, ClinGen allele CA4931240.

ClinVar aggregate classification (germline): Uncertain significance. Review status: criteria provided, multiple submitters, no conflicts (2 of 4 stars). 2 submissions from 2 submitters: Uncertain significance (2). Last evaluated 2024-11-07.

Conditions:
5-Oxoprolinase deficiency (OPLAHD). Also called: 5-OXOPROLINURIA DUE TO 5-OXOPROLINASE DEFICIENCY. Identifiers: Orphanet 33572, MedGen C0268525, MONDO:0009825, OMIM 260005, HP:0040142.

Allele frequency attached by ClinVar (database versions not stated): gnomAD 0.00002; TOPMed 0.00002.
gnomAD v4.1: 54 of 1,556,174 alleles (0.0035%); highest among the groups gnomAD compares: Non-Finnish European, 0.0045%; no homozygotes.

Submissions (2):

Labcorp Genetics (formerly Invitae), Labcorp
Classification: Uncertain significance for 5-Oxoprolinase deficiency. Last evaluated: 2024-11-07. Review status: criteria provided, single submitter. Criteria: Invitae Variant Classification Sherloc (09022015). Collection method: clinical testing. Allele origin: germline.
Comment: This sequence change replaces phenylalanine, which is neutral and non-polar, with leucine, which is neutral and non-polar, at codon 1011 of the OPLAH protein (p.Phe1011Leu). This variant is present in population databases (rs782390280, gnomAD 0.006%). This variant has not been reported in the literature in individuals affected with OPLAH-related conditions. ClinVar contains an entry for this variant (Variation ID: 2206850). An algorithm developed to predict the effect of missense changes on protein structure and function (PolyPhen-2) suggests that this variant is likely to be disruptive. In summary, the available evidence is currently insufficient to determine the role of this variant in disease. Therefore, it has been classified as a Variant of Uncertain Significance.

Ambry Genetics
Classification: Uncertain significance. Last evaluated: 2021-09-01. Review status: criteria provided, single submitter. Criteria: Ambry Variant Classification Scheme 2023. Collection method: clinical testing. Allele origin: germline.